The following is an entry in ClinVar:

ClinVar aggregate classification (germline): Uncertain significance (1 of 4 stars; one submission).

Conditions:
Inborn genetic diseases. Identifiers: MedGen C0950123, MeSH D030342.

Submission:

Ambry Genetics
Classification: Uncertain significance for Inborn genetic diseases. Last evaluated: 2024-04-06. Review status: criteria provided, single submitter. Criteria: Ambry Variant Classification Scheme 2023. Collection method: clinical testing. Allele origin: germline.
Comment: The p.D1544H variant (also known as c.4630G>C), located in coding exon 26 of the ATR gene, results from a G to C substitution at nucleotide position 4630. The aspartic acid at codon 1544 is replaced by histidine, an amino acid with similar properties. This amino acid position is conserved. In addition, this alteration is predicted to be tolerated by in silico analysis. Based on the available evidence, the clinical significance of this variant remains unclear.

NM_001184.4(ATR):c.4630G>C (p.Asp1544His)

Gene: ATR (ATR serine/threonine kinase; minus strand). Cytogenetic location: 3q23.
Variant type: single nucleotide variant.
Coding change: c.4630G>C on transcript NM_001184.4 (MANE Select); coding-DNA position 4630, G replaced by C.
Protein change: p.Asp1544His; replaces aspartic acid 1544 with histidine.
Molecular consequence: missense variant.
Genome position (GRCh38, 1-based): chr3:142,513,512, C>G on the plus strand (G>C on the coding strand, the complement: ATR is on the minus strand). VCF-style: chr3-142513512-C-G. GRCh37 (hg19) VCF-style: chr3-142232354-C-G.
Other names: c.4438G>C, p.Asp1480His (NM_001354579.2); short protein forms D1480H, D1544H.
Identifiers: ClinVar variation 3331279 (VCV003331279.1).